The following is an entry in ClinVar:

NM_005120.3(MED12):c.1167G>A (p.Lys389=)

Gene: MED12 (mediator complex subunit 12; plus strand). Cytogenetic location: Xq13.1.
Variant type: single nucleotide variant.
Coding change: c.1167G>A on transcript NM_005120.3 (MANE Select); coding-DNA position 1167, G replaced by A.
Protein change: p.Lys389=; no amino-acid change (lysine 389 retained).
Molecular consequence: synonymous variant.
Genome position (GRCh38, 1-based): chrX:71,122,265, G>A. VCF-style: chrX-71122265-G-A. GRCh37 (hg19) VCF-style: chrX-70342115-G-A.
Identifiers: ClinVar variation 378128 (VCV000378128.20), dbSNP rs374324656, ClinGen allele CA10444142.

ClinVar aggregate classification (germline): Benign/Likely benign. Review status: criteria provided, multiple submitters, no conflicts (2 of 4 stars). 7 submissions from 7 submitters: Benign (2); Likely benign (3). 2 of the submissions do not count toward it. Last evaluated 2026-06-01.

Conditions:
FG syndrome (FGS). Identifiers: MedGen C0220769, MONDO:0002010.
Familial thoracic aortic aneurysm and aortic dissection (TAAD). Also called: Thoracic aortic aneurysms and dissections. Identifiers: Orphanet 91387, MedGen C4707243, MONDO:0019625.

Allele frequency attached by ClinVar (database versions not stated): gnomAD 0.00005 and 0.00007; ExAC 0.00009; ESP Exome Variant Server 0.00010; TOPMed 0.00012; gnomAD exomes 0.00014 and 0.00015.
gnomAD v4.1: 190 of 1,209,980 alleles (0.016%); highest among the groups gnomAD compares: Middle Eastern, 0.091%; 1 homozygote.

Submissions (7):

CeGaT Center for Human Genetics Tuebingen
Classification: Likely benign. Last evaluated: 2026-06-01. Review status: criteria provided, single submitter. Criteria: CeGaT Center For Human Genetics Tuebingen Variant Classification Criteria Version 2. Collection method: clinical testing. Allele origin: germline. Affected: yes. Observed: 1 variant allele.
Comment: MED12: BP4, BP7, BS2

Labcorp Genetics (formerly Invitae), Labcorp
Classification: Benign for FG syndrome. Last evaluated: 2026-01-27. Review status: criteria provided, single submitter. Criteria: Invitae Variant Classification Sherloc (09022015). Collection method: clinical testing. Allele origin: germline.

Blueprint Genetics
Classification: Likely benign. Last evaluated: 2024-10-30. Review status: criteria provided, single submitter. Criteria: ACMG Guidelines, 2015. Collection method: clinical testing. Allele origin: germline.

GeneDx
Classification: Benign. Last evaluated: 2015-11-18. Review status: criteria provided, single submitter. Criteria: GeneDx Variant Classification (06012015). Collection method: clinical testing. Allele origin: germline. Affected: yes.
Comment: This variant is considered likely benign or benign based on one or more of the following criteria: it is a conservative change, it occurs at a poorly conserved position in the protein, it is predicted to be benign by multiple in silico algorithms, and/or has population frequency not consistent with disease.

Ambry Genetics
Classification: Likely benign for Familial thoracic aortic aneurysm and aortic dissection. Last evaluated: 2015-08-14. Review status: criteria provided, single submitter. Criteria: Ambry Variant Classification Scheme 2023. Collection method: clinical testing. Allele origin: germline.

Clinical Genetics DNA and cytogenetics Diagnostics Lab, Erasmus MC, Erasmus Medical Center
Classification: Likely benign. Review status: no assertion criteria provided. Collection method: clinical testing. Allele origin: germline. Affected: yes. Study: VKGL Data-share Consensus. Not counted in ClinVar's aggregate classification.

Genome Diagnostics Laboratory, University Medical Center Utrecht
Classification: Likely benign. Review status: no assertion criteria provided. Collection method: clinical testing. Allele origin: germline. Affected: yes. Study: VKGL Data-share Consensus. Not counted in ClinVar's aggregate classification.